The following is an entry in ClinVar:

ClinVar aggregate classification (germline): Likely benign (0 of 4 stars; one submission).

Conditions:
SETBP1-related disorder. Also called: SETBP1-related condition; SETBP1-related disorders.

Allele frequency attached by ClinVar (database versions not stated): gnomAD exomes below 0.00001; TOPMed below 0.00001; gnomAD 0.00001.
gnomAD v4.1: 3 of 1,614,018 alleles (0.00019%); highest among the groups gnomAD compares: African/African-American, 0.0013%; no homozygotes.

Submission:

PreventionGenetics, part of Exact Sciences
Classification: Likely benign for SETBP1-related condition. Last evaluated: 2020-04-01. Review status: no assertion criteria provided. Collection method: clinical testing. Allele origin: germline.
Comment: This variant is classified as likely benign based on ACMG/AMP sequence variant interpretation guidelines (Richards et al. 2015 PMID: 25741868, with internal and published modifications).

NM_015559.3(SETBP1):c.1089C>T (p.Asp363=)

Gene: SETBP1 (SET binding protein 1; plus strand). Cytogenetic location: 18q12.3.
Variant type: single nucleotide variant.
Coding change: c.1089C>T on transcript NM_015559.3 (MANE Select); coding-DNA position 1089, C replaced by T.
Protein change: p.Asp363=; no amino-acid change (aspartic acid 363 retained).
Molecular consequence: synonymous variant.
Genome position (GRCh38, 1-based): chr18:44,950,429, C>T. VCF-style: chr18-44950429-C-T. GRCh37 (hg19) VCF-style: chr18-42530394-C-T.
Other names: c.1089C>T, p.Asp363= (NM_001379141.1, NM_001379142.1, NM_001410862.1).
Identifiers: ClinVar variation 3054627 (VCV003054627.2), dbSNP rs1314909126, ClinGen allele CA503981369.